The following is an entry in ClinVar:

NM_001009944.3(PKD1):c.4041_4042del (p.His1347fs)

Gene: PKD1 (polycystin 1, transient receptor potential channel interacting; minus strand). Cytogenetic location: 16p13.3.
Variant type: Microsatellite.
Coding change: c.4041_4042del on transcript NM_001009944.3 (MANE Select); coding-DNA positions 4041 to 4042, 2 bases deleted (CA; older notation c.4041_4042delCA).
Protein change: p.His1347fs; shifts the reading frame from histidine 1347.
Molecular consequence: frameshift variant.
Genome position (GRCh38, 1-based): chr16:2,111,125-2,111,126, TG deleted on the plus strand (CA on the coding strand, the reverse complement: PKD1 is on the minus strand); deleting any 2 consecutive bases within chr16:2,111,125-2,111,131 gives the same sequence; the c. name uses the placement nearest the transcript's 3' end. VCF-style (leftmost placement, unchanged base first): chr16-2111124-TTG-T. GRCh37 (hg19) VCF-style: chr16-2161125-TTG-T.
Other names: c.4041_4042del, p.His1347fs (NM_000296.4); c.4041_4042del (NM_001009944.2); short protein forms H1347fs.
Identifiers: ClinVar variation 997125 (VCV000997125.4), dbSNP rs2092491511, ClinGen allele CA913185963.
Genomic context (GRCh38, chr16:2,111,124, plus strand): 5'-GCCCTGTTCACGCGGCTGGACAGCACCAGCGCCAGGGGGAACGTGCCGCTCCGCGTGAAG[TTG>T]TGTGTCACCGTCGGGCACCCCCGCACGGTCGTGTTGGAGGAGCCATCCCCGAAGGTCCAG-3'

ClinVar aggregate classification (germline): Pathogenic. Review status: criteria provided, multiple submitters, no conflicts (2 of 4 stars). 3 submissions from 3 submitters: Pathogenic (2). 1 of the submissions does not count toward it. Last evaluated 2025-07-10.

Conditions:
Polycystic kidney disease. Also called: Polycystic kidney dysplasia; Kidney, Polycystic. Identifiers: MedGen C0022680, MeSH D007690, MONDO:0020642, HP:0000113.
Polycystic kidney disease, adult type (PKD1). Also called: POLYCYSTIC KIDNEY DISEASE, ADULT, TYPE I; Polycystic Kidney Disease 1, Autosomal Dominant; Polycystic kidney disease 1; Polycystic kidney disease 1, severe; Polycystic Kidney, Autosomal Dominant; POLYCYSTIC KIDNEY DISEASE 1 WITH OR WITHOUT POLYCYSTIC LIVER DISEASE. Identifiers: MedGen C3149841, MONDO:0008263, OMIM 173900.

Submissions (3):

GeneDx
Classification: Pathogenic. Last evaluated: 2025-07-10. Review status: criteria provided, single submitter. Criteria: GeneDx Variant Classification Process June 2021. Collection method: clinical testing. Allele origin: germline. Affected: yes.
Comment: Frameshift variant predicted to result in protein truncation or nonsense mediated decay in a gene for which loss of function is a known mechanism of disease; Not observed at significant frequency in large population cohorts (gnomAD); This variant is associated with the following publications: (PMID: 9345095, 36938073, 31740684, 37509056)

Fulgent Genetics
Classification: Pathogenic for Polycystic kidney disease, adult type. Last evaluated: 2024-01-27. Review status: criteria provided, single submitter. Criteria: ACMG Guidelines, 2015. Collection method: clinical testing. Allele origin: germline.

Department of Pathology and Laboratory Medicine, Sinai Health System
Classification: Pathogenic for Polycystic Kidney disease. Review status: no assertion criteria provided. Collection method: clinical testing. Allele origin: unknown. Affected: yes. Study: The Canadian Open Genetics Repository (COGR). Not counted in ClinVar's aggregate classification.
Comment: The PKD1 p.His1347GlnfsX83 variant was identified in the literature in 2 of 1190 proband chromosomes (frequency: 0.003) from individuals or families with autosomal dominant PKD (Hwang_2016_26453610, Roelfsema_1997_9345095). The variant was also identified in LOVD 3.0 (as "affects function"), and the ADPKD Mutation Database (as "definitely pathogenic"). The variant was not identified in the following databases: dbSNP, ClinVar, Clinvitae, COGR, PKD1-LOVD, the 1000 Genomes Project, the NHLBI GO Exome Sequencing Project, the Exome Aggregation Consortium (August 8th 2016), or the Genome Aggregation Database (Feb 27, 2017). The p.His1347GlnfsX83 variant is predicted to cause a frameshift, which alters the protein amino acid sequence beginning at codon 1347 and leads to a premature stop codon at position 1429. This alteration is then predicted to result in a truncated or absent protein and loss of function. Loss of function variants of the PKD1 gene are an established mechanism of disease in ADPKD and is the type of variant expected to cause the disorder. In summary, based on the above information this variant meets our laboratoryâ€šÃ„Ã´s criteria to be classified as pathogenic.